The following is an entry in ClinVar:

ClinVar aggregate classification (germline): Pathogenic. Review status: reviewed by expert panel (3 of 4 stars). 2 submissions from 2 submitters: Pathogenic (1). 1 of the submissions does not count toward it. Last evaluated 2017-12-15.

Conditions:
Familial cancer of breast. Also called: BREAST CANCER, FAMILIAL; Hereditary breast cancer; hereditary breast carcinoma. Identifiers: Orphanet 227535, MedGen C0346153, MONDO:0016419, OMIM 114480. Disease mechanism: loss of function.
Breast-ovarian cancer, familial, susceptibility to, 2 (BROVCA2). Also called: BRCA2 Hereditary Breast and Ovarian Cancer. Identifiers: Orphanet 145, MedGen C2675520, MONDO:0012933, OMIM 612555. Disease mechanism: loss of function.

Submissions (2):

Evidence-based Network for the Interpretation of Germline Mutant Alleles (ENIGMA)
Classification: Pathogenic for Breast-ovarian cancer, familial, susceptibility to, 2. Last evaluated: 2017-12-15. Review status: reviewed by expert panel. Criteria: ENIGMA BRCA1/2 Classification Criteria (2017-06-29). Collection method: curation. Allele origin: germline. Study: ENIGMA.
Comment: Variant allele predicted to encode a truncated non-functional protein.

ClinVar Staff, National Center for Biotechnology Information (NCBI)
No classification provided. Condition: Familial cancer of breast. Review status: no classification provided. Collection method: literature only. Allele origin: germline. Affected: yes. Not counted in ClinVar's aggregate classification.

Literature cited by the submitters: PubMed 22762150 (cited by ClinVar Staff, National Center for Biotechnology Information (NCBI)).

NM_000059.4(BRCA2):c.7187dup (p.Leu2396fs)

Gene: BRCA2 (BRCA2 DNA repair associated; plus strand). Cytogenetic location: 13q13.1.
Variant type: Duplication.
Coding change: c.7187dup on transcript NM_000059.4 (MANE Select); coding-DNA position 7187, one base duplicated (T; older notation c.7187dupT).
Protein change: p.Leu2396fs; shifts the reading frame from leucine 2396.
Molecular consequence: frameshift variant.
Genome position (GRCh38, 1-based): chr13:32,355,040, T duplicated; the last of 2 consecutive T bases (chr13:32,355,039-32,355,040); duplicating either gives the same sequence. VCF-style (leftmost placement, unchanged base first): chr13-32355038-C-CT. GRCh37 (hg19) VCF-style: chr13-32929175-C-CT.
Other names: c.7187dupT (NM_000059.3); short protein forms L2396fs.
Identifiers: ClinVar variation 52282 (VCV000052282.3), dbSNP rs397507901, ClinGen allele CA024940.